The following is an entry in ClinVar:

ClinVar aggregate classification (germline): Conflicting classifications of pathogenicity. Review status: criteria provided, conflicting classifications (1 of 4 stars). 6 submissions from 6 submitters: Likely pathogenic (4); Uncertain significance (2). Last evaluated 2026-07-08.

Conditions:
Osteoporosis with pseudoglioma (OPPG). Also called: osteoporosis-pseudoglioma syndrome. Identifiers: Orphanet 2788, MedGen C0432252, MONDO:0009820, OMIM 259770.
Polycystic liver disease 4 with or without kidney cysts. Identifiers: MedGen C4693479, MONDO:0044327, OMIM 617875.
Autosomal dominant osteopetrosis 1 (OPTA1). Also called: OSTEOPETROSIS, AUTOSOMAL DOMINANT, TYPE I. Identifiers: Orphanet 2783, MedGen C1843330, MONDO:0011877, OMIM 607634.
Exudative vitreoretinopathy 4 (EVR4). Identifiers: Orphanet 891, MedGen C1866176, MONDO:0011151, OMIM 601813.
Worth disease. Also called: Autosomal dominant osteosclerosis, Worth type; ENDOSTEAL HYPEROSTOSIS, AUTOSOMAL DOMINANT; OSTEOSCLEROSIS, AUTOSOMAL DOMINANT. Identifiers: Orphanet 2790, MedGen C0432273, MONDO:0007764, OMIM 144750.
Bone mineral density quantitative trait locus 1 (BMND1). Identifiers: MedGen C1866079, OMIM 601884.
LRP5-related disorder. Also called: LRP5-related condition.

Allele frequency attached by ClinVar (database versions not stated): gnomAD 0.00001; gnomAD exomes 0.00001 and 0.00002; TOPMed 0.00001.
gnomAD v4.1: 11 of 1,613,946 alleles (0.00068%); highest among the groups gnomAD compares: Admixed American, 0.0083%; no homozygotes.

Submissions (6):

PreventionGenetics, part of Exact Sciences
Classification: Likely pathogenic for LRP5-related condition. Last evaluated: 2026-07-08. Review status: criteria provided, single submitter. Criteria: ACMG Guidelines, 2015. Collection method: clinical testing. Allele origin: germline.
Comment: The LRP5 c.1183C>T variant is predicted to result in the amino acid substitution p.Arg395Trp. This variant has been reported in the homozygous and compound heterozygous states in individual with familial exudative vitreoretinopathy (Salvo et al. 2015. PubMed ID: 25711638; Tang et al. 2017. PubMed ID: 29181528). This missense variant is predicted to be damaging to the encoded protein (REVEL score >0.773, Ioannidis et al. 2016. PubMed ID: 27666373). This variant is present in 0.014% of alleles in individuals of Latino descent in gnomAD. This variant is interpreted as likely pathogenic for autosomal recessive disease.

Labcorp Genetics (formerly Invitae), Labcorp
Classification: Likely pathogenic. Last evaluated: 2025-12-17. Review status: criteria provided, single submitter. Criteria: Invitae Variant Classification Sherloc (09022015). Collection method: clinical testing. Allele origin: germline.
Comment: This sequence change replaces arginine, which is basic and polar, with tryptophan, which is neutral and slightly polar, at codon 395 of the LRP5 protein (p.Arg395Trp). This variant is present in population databases (no rsID available, gnomAD 0.01%). This missense change has been observed in individuals with familial exudative vitreoretinopathy (PMID: 25711638, 29181528; internal data). ClinVar contains an entry for this variant (Variation ID: 1025837). Invitae Evidence Modeling of protein sequence and biophysical properties (such as structural, functional, and spatial information, amino acid conservation, physicochemical variation, residue mobility, and thermodynamic stability) has been performed for this missense variant. However, the output from this modeling did not meet the statistical confidence thresholds required to predict the impact of this variant on LRP5 protein function. In summary, the currently available evidence indicates that the variant is pathogenic, but additional data are needed to prove that conclusively. Therefore, this variant has been classified as Likely Pathogenic.

Variantyx, Inc.
Classification: Likely pathogenic for Exudative vitreoretinopathy 4. Last evaluated: 2025-04-17. Review status: criteria provided, single submitter. Criteria: Variantyx Assertion Criteria 2022. Collection method: clinical testing. Allele origin: germline. Inheritance: Autosomal recessive inheritance. Affected: no.
Comment: This is a nonsynonymous variant in the LRP5 gene (OMIM: 603506). Pathogenic variants in this gene have been associated with autosomal recessive exudative vitreoretinopathy 4 (EVR4). This variant has been identified in the homozygous or compound heterozygous state in at least 2 individuals reported in the published literature (PMID: 25711638, 29181528) (PM3). The alteration lies within a known hotspot for pathogenic variants or a well-established critical functional domain of the LRP5 protein (PMID: 16252235, 35277167) (PM1) and multiple computational algorithms predict a deleterious effect for this variant (REVEL score: 0.88) (PP3). This variant has a 0.0083% maximum allele frequency in non-founder control populations (PM2). Based on the current evidence, this variant is classified as likely pathogenic for autosomal recessive exudative vitreoretinopathy 4 (EVR4).

GeneDx
Classification: Uncertain significance. Last evaluated: 2024-09-10. Review status: criteria provided, single submitter. Criteria: GeneDx Variant Classification Process June 2021. Collection method: clinical testing. Allele origin: germline. Affected: yes.
Comment: Identified in apparent homozygous state and heterozygous state with a second LRP5 variant, phase unknown, in patients with LRP5-related eye disorders in published literature (PMID: 25711638, 29181528, 31299183); In silico analysis supports that this missense variant has a deleterious effect on protein structure/function; This variant is associated with the following publications: (PMID: 31964843, 31827910, 31299183, 29181528, 25711638)

Fulgent Genetics
Classification: Likely pathogenic for Worth disease; Osteoporosis with pseudoglioma; Exudative vitreoretinopathy 4; Bone mineral density quantitative trait locus 1; Autosomal dominant osteopetrosis 1; Polycystic liver disease 4 with or without kidney cysts. Last evaluated: 2024-06-14. Review status: criteria provided, single submitter. Criteria: ACMG Guidelines, 2015. Collection method: clinical testing. Allele origin: germline.

Blueprint Genetics
Classification: Uncertain significance. Last evaluated: 2023-03-31. Review status: criteria provided, single submitter. Criteria: ACMG Guidelines, 2015. Collection method: clinical testing. Allele origin: germline.

Literature cited by the submitters: PubMed 25711638 (cited by Labcorp Genetics (formerly Invitae), Labcorp and Variantyx, Inc.); PubMed 29181528 (cited by Labcorp Genetics (formerly Invitae), Labcorp and Variantyx, Inc.).

NM_002335.4(LRP5):c.1183C>T (p.Arg395Trp)

Gene: LRP5 (LDL receptor related protein 5; plus strand). Cytogenetic location: 11q13.2.
Variant type: single nucleotide variant.
Coding change: c.1183C>T on transcript NM_002335.4 (MANE Select); coding-DNA position 1183, C replaced by T.
Protein change: p.Arg395Trp; replaces arginine 395 with tryptophan.
Molecular consequence: missense variant. On other transcripts: 5 prime UTR variant (1).
Genome position (GRCh38, 1-based): chr11:68,386,483, C>T. VCF-style: chr11-68386483-C-T. GRCh37 (hg19) VCF-style: chr11-68153951-C-T.
Other names: c.1183C>T (NM_002335.3, NM_002335.2); c.-583C>T (NM_001291902.2); short protein forms R395W.
Identifiers: ClinVar variation 1025837 (VCV001025837.10), dbSNP rs1177481438, ClinGen allele CA381612416.